The following is an entry in ClinVar:

ClinVar aggregate classification (germline): Conflicting classifications of pathogenicity. Review status: criteria provided, conflicting classifications (1 of 4 stars). 4 submissions from 4 submitters: Pathogenic (1); Likely pathogenic (2); Uncertain significance (1). Last evaluated 2025-12-15.

Conditions:
Autosomal recessive polycystic kidney disease (ARPKD). Also called: AR polycystic kidney disease. Identifiers: Orphanet 731, Orphanet 8378, MedGen C0085548, MeSH D017044, MONDO:0009889.
Polycystic kidney disease 4 (PKD4). Also called: POLYCYSTIC KIDNEY DISEASE 4 WITH OR WITHOUT POLYCYSTIC LIVER DISEASE; PKD3; POLYCYSTIC KIDNEY AND HEPATIC DISEASE 1; POLYCYSTIC KIDNEY DISEASE, INFANTILE, TYPE I; Autosomal Recessive Polycystic Kidney Disease – PKHD1. Identifiers: MedGen C4540575, MONDO:0033004, OMIM 263200.
PKHD1-related disorder. Also called: PKHD1-related condition.

Allele frequency attached by ClinVar (database versions not stated): gnomAD exomes below 0.00001; gnomAD 0.00001; TOPMed 0.00001.
gnomAD v4.1: 4 of 1,614,076 alleles (0.00025%); highest among the groups gnomAD compares: African/African-American, 0.004%; no homozygotes.

Submissions (4):

PreventionGenetics, part of Exact Sciences
Classification: Pathogenic for PKHD1-related condition. Last evaluated: 2025-12-15. Review status: criteria provided, single submitter. Criteria: ACMG Guidelines, 2015. Collection method: clinical testing. Allele origin: germline.
Comment: The PKHD1 c.11946T>A variant is predicted to result in premature protein termination (p.Cys3982*). To our knowledge, this variant has not been reported in the literature or in a large population database (gnomAD), indicating this variant is rare. Nonsense variants in PKHD1 are expected to be pathogenic. This variant occurs within the last exon and may not result in nonsense mediated decay, however numerous downstream loss-of-function variants were reported as causative (for example: Figure 1, Bergmann et al. 2004. PubMed ID: 15108277; Table 2, Besse et al. 2017. PubMed ID: 28375157; Table S2, Denamur et al. 2010. PubMed ID: 19940839). This variant is interpreted as pathogenic.

Natera, Inc.
Classification: Likely pathogenic for Autosomal recessive polycystic kidney disease. Last evaluated: 2025-07-23. Review status: criteria provided, single submitter. Criteria: Natera Variant Classification Schema (03/2026). Collection method: clinical testing. Allele origin: germline.
Comment: The c.11946T>A variant in PKHD1 is a nonsense variant predicted to introduce a stop codon at amino acid 3982. This variant is expected to result in nonsense mediated decay, truncation, or a dysfunctional protein product. This variant is rare in the general population with a frequency below the threshold expected for the associated phenotype(s). Given the available evidence, this variant is classified as Likely Pathogenic.

Fulgent Genetics
Classification: Likely pathogenic for Polycystic kidney disease 4. Last evaluated: 2024-06-04. Review status: criteria provided, single submitter. Criteria: ACMG Guidelines, 2015. Collection method: clinical testing. Allele origin: germline.

Baylor Genetics
Classification: Uncertain significance for Polycystic kidney disease 4. Last evaluated: 2024-01-08. Review status: criteria provided, single submitter. Criteria: ACMG Guidelines, 2015. Collection method: clinical testing. Allele origin: unknown.

NM_138694.4(PKHD1):c.11946T>A (p.Cys3982Ter)

Gene: PKHD1 (PKHD1 ciliary IPT domain containing fibrocystin/polyductin; minus strand). Cytogenetic location: 6p12.3.
Variant type: single nucleotide variant.
Coding change: c.11946T>A on transcript NM_138694.4 (MANE Select); coding-DNA position 11946, T replaced by A.
Protein change: p.Cys3982Ter; replaces cysteine 3982 with a stop codon.
Molecular consequence: nonsense.
Genome position (GRCh38, 1-based): chr6:51,619,360, A>T on the plus strand (T>A on the coding strand, the complement: PKHD1 is on the minus strand). VCF-style: chr6-51619360-A-T. GRCh37 (hg19) VCF-style: chr6-51484158-A-T.
Other names: c.11946T>A (NM_138694.3); short protein forms C3982*.
Identifiers: ClinVar variation 2677808 (VCV002677808.5), dbSNP rs1207597891, ClinGen allele CA364417210.